The following is an entry in ClinVar:

ClinVar aggregate classification (germline): Uncertain significance (1 of 4 stars; one submission).

Conditions:
Inborn genetic diseases. Identifiers: MedGen C0950123, MeSH D030342.

Allele frequency attached by ClinVar (database versions not stated): gnomAD exomes below 0.00001.
gnomAD v4.1: 1 of 1,613,048 alleles (0.000062%); highest among the groups gnomAD compares: Non-Finnish European, 0.000085%; no homozygotes.

Submission:

Ambry Genetics
Classification: Uncertain significance for Inborn genetic diseases. Last evaluated: 2022-03-04. Review status: criteria provided, single submitter. Criteria: Ambry Variant Classification Scheme 2023. Collection method: clinical testing. Allele origin: germline.
Comment: The p.V2296A variant (also known as c.6887T>C), located in coding exon 47 of the LRRK2 gene, results from a T to C substitution at nucleotide position 6887. The valine at codon 2296 is replaced by alanine, an amino acid with similar properties. This amino acid position is conserved. In addition, this alteration is predicted to be tolerated by in silico analysis. Since supporting evidence is limited at this time, the clinical significance of this alteration remains unclear.

NM_198578.4(LRRK2):c.6887T>C (p.Val2296Ala)

Gene: LRRK2 (leucine rich repeat kinase 2; plus strand). Cytogenetic location: 12q12.
Variant type: single nucleotide variant.
Coding change: c.6887T>C on transcript NM_198578.4 (MANE Select); coding-DNA position 6887, T replaced by C.
Protein change: p.Val2296Ala; replaces valine 2296 with alanine.
Molecular consequence: missense variant.
Genome position (GRCh38, 1-based): chr12:40,359,303, T>C. VCF-style: chr12-40359303-T-C. GRCh37 (hg19) VCF-style: chr12-40753105-T-C.
Other names: short protein forms V2296A.
Identifiers: ClinVar variation 1755971 (VCV001755971.2), dbSNP rs2500012039, ClinGen allele CA384411477.